The following is an entry in ClinVar:

ClinVar aggregate classification (germline): Uncertain significance (1 of 4 stars; one submission).

Conditions:
Hereditary cancer-predisposing syndrome. Also called: Neoplastic Syndromes, Hereditary; Tumor predisposition; Hereditary Cancer Syndrome; Hereditary neoplastic syndrome. Identifiers: Orphanet 140162, MedGen C0027672, MeSH D009386, MONDO:0015356.

gnomAD v4.1: 1 of 1,614,120 alleles (0.000062%); no homozygotes.

Submission:

Ambry Genetics
Classification: Uncertain significance for Hereditary cancer-predisposing syndrome. Last evaluated: 2025-10-16. Review status: criteria provided, single submitter. Criteria: Ambry Variant Classification Scheme 2023. Collection method: clinical testing. Allele origin: germline.
Comment: The p.K103E variant (also known as c.307A>G), located in coding exon 1 of the AXIN2 gene, results from an A to G substitution at nucleotide position 307. The lysine at codon 103 is replaced by glutamic acid, an amino acid with similar properties. This amino acid position is conserved. In addition, this alteration is predicted to be tolerated by in silico analysis. Based on the available evidence, the clinical significance of this variant remains unclear.

NM_004655.4(AXIN2):c.307A>G (p.Lys103Glu)

Gene: AXIN2 (axin 2; minus strand). Cytogenetic location: 17q24.1.
Variant type: single nucleotide variant.
Coding change: c.307A>G on transcript NM_004655.4 (MANE Select); coding-DNA position 307, A replaced by G.
Protein change: p.Lys103Glu; replaces lysine 103 with glutamic acid.
Molecular consequence: missense variant.
Genome position (GRCh38, 1-based): chr17:65,558,314, T>C on the plus strand (A>G on the coding strand, the complement: AXIN2 is on the minus strand). VCF-style: chr17-65558314-T-C. GRCh37 (hg19) VCF-style: chr17-63554432-T-C.
Other names: c.307A>G, p.Lys103Glu (NM_001363813.1); short protein forms K103E.
Identifiers: ClinVar variation 4619653 (VCV004619653.1).
Genomic context (GRCh38, chr17:65,558,314, plus strand): 5'-TCAGGTTCATCTGCCTGAATCCATTGCAGGCAAACCAGAAGTCTAAGGTATCCACGCATT[T>C]CTCCCTCTCCAGGAAAGTTCGGAACAGGTAAGCACCGTCTTGATCGCCCAATAAGGAGTG-3'
Protein context (NP_004646.3, residues 93-113): YLFRTFLERE[Lys103Glu]CVDTLDFWFA